The following is an entry in ClinVar:

NM_000557.5(GDF5):c.795del (p.Ser266fs)

Genes: GDF5 (growth differentiation factor 5; minus strand), GDF5-AS1 (GDF5 antisense RNA 1; plus strand). Cytogenetic location: 20q11.22.
Variant type: Deletion.
Coding change: c.795del on transcript NM_000557.5 (MANE Select); coding-DNA position 795, one base deleted (G; older notation c.795delG).
Protein change: p.Ser266fs; shifts the reading frame from serine 266.
Molecular consequence: frameshift variant. On other transcripts: non-coding transcript variant (1).
Genome position (GRCh38, 1-based): chr20:35,434,620, C deleted on the plus strand (G on the coding strand, the reverse complement: GDF5 is on the minus strand). VCF-style (leftmost placement, unchanged base first): chr20-35434619-AC-A. GRCh37 (hg19) VCF-style: chr20-34022417-AC-A.
Other names: c.795del, p.Ser266fs (NM_001319138.2); short protein forms S266fs.
Identifiers: ClinVar variation 3901515 (VCV003901515.2).

ClinVar aggregate classification (germline): Likely pathogenic (1 of 4 stars; one submission).

Submission:

GeneDx
Classification: Likely pathogenic. Last evaluated: 2025-06-22. Review status: criteria provided, single submitter. Criteria: GeneDx Variant Classification Process June 2021. Collection method: clinical testing. Allele origin: germline. Affected: yes.
Comment: Frameshift variant predicted to result in protein truncation, as the last 236 amino acids are replaced with 186 different amino acids, and other loss-of-function variants have been reported downstream in the Human Gene Mutation Database (HGMD); Not observed at significant frequency in large population cohorts (gnomAD); Has not been previously published as pathogenic or benign to our knowledge